The following is an entry in ClinVar:

NM_080680.3(COL11A2):c.1562C>T (p.Pro521Leu)

Gene: COL11A2 (collagen type XI alpha 2 chain; minus strand). Cytogenetic location: 6p21.32.
Variant type: single nucleotide variant.
Coding change: c.1562C>T on transcript NM_080680.3 (MANE Select); coding-DNA position 1562, C replaced by T.
Protein change: p.Pro521Leu; replaces proline 521 with leucine.
Molecular consequence: missense variant.
Genome position (GRCh38, 1-based): chr6:33,179,122, G>A on the plus strand (C>T on the coding strand, the complement: COL11A2 is on the minus strand). VCF-style: chr6-33179122-G-A. GRCh37 (hg19) VCF-style: chr6-33146899-G-A.
Other names: c.1241C>T, p.Pro414Leu (NM_080679.3); c.1304C>T, p.Pro435Leu (NM_080681.3); c.1562C>T (NM_080680.2); short protein forms P435L, P414L, P521L.
Identifiers: ClinVar variation 1378859 (VCV001378859.8), dbSNP rs760858147, ClinGen allele CA3751302.

ClinVar aggregate classification (germline): Conflicting classifications of pathogenicity. Review status: criteria provided, conflicting classifications (1 of 4 stars). 3 submissions from 3 submitters: Uncertain significance (2); Likely benign (1). Last evaluated 2026-01-17.

Allele frequency attached by ClinVar (database versions not stated): gnomAD exomes 0.00001 and 0.00002; ExAC 0.00002; TOPMed 0.00002; gnomAD 0.00003 and 0.00004.
gnomAD v4.1: 14 of 1,613,682 alleles (0.00087%); highest among the groups gnomAD compares: Non-Finnish European, 0.0012%; no homozygotes.

Submissions (3):

Labcorp Genetics (formerly Invitae), Labcorp
Classification: Likely benign. Last evaluated: 2026-01-17. Review status: criteria provided, single submitter. Criteria: Invitae Variant Classification Sherloc (09022015). Collection method: clinical testing. Allele origin: germline.

GeneDx
Classification: Uncertain significance. Last evaluated: 2024-07-18. Review status: criteria provided, single submitter. Criteria: GeneDx Variant Classification Process June 2021. Collection method: clinical testing. Allele origin: germline. Affected: yes.
Comment: Not observed at significant frequency in large population cohorts (gnomAD); In silico analysis supports that this missense variant has a deleterious effect on protein structure/function; Has not been previously published as pathogenic or benign to our knowledge

Blueprint Genetics
Classification: Uncertain significance. Last evaluated: 2022-08-25. Review status: criteria provided, single submitter. Criteria: ACMG Guidelines, 2015. Collection method: clinical testing. Allele origin: germline.